The following is an entry in ClinVar:

ClinVar aggregate classification (germline): Uncertain significance (1 of 4 stars; one submission).

Allele frequency attached by ClinVar (database versions not stated): gnomAD exomes below 0.00001; gnomAD 0.00001; TOPMed 0.00001.

Submission:

Labcorp Genetics (formerly Invitae), Labcorp
Classification: Uncertain significance. Last evaluated: 2025-04-24. Review status: criteria provided, single submitter. Criteria: Invitae Variant Classification Sherloc (09022015). Collection method: clinical testing. Allele origin: germline.
Comment: This sequence change creates a premature translational stop signal (p.Lys510Leufs*2) in the A2ML1 gene. It is expected to result in an absent or disrupted protein product. However, the current clinical and genetic evidence is not sufficient to establish whether loss-of-function variants in A2ML1 cause disease. This variant is present in population databases (no rsID available, gnomAD 0.008%). This variant has not been reported in the literature in individuals affected with A2ML1-related conditions. ClinVar contains an entry for this variant (Variation ID: 2079473). In summary, the available evidence is currently insufficient to determine the role of this variant in disease. Therefore, it has been classified as a Variant of Uncertain Significance.

NM_144670.6(A2ML1):c.1526_1527insCTTA (p.Lys510fs)

Gene: A2ML1 (alpha-2-macroglobulin like 1; plus strand). Cytogenetic location: 12p13.31.
Variant type: Insertion.
Coding change: c.1526_1527insCTTA on transcript NM_144670.6 (MANE Select); coding-DNA positions 1526 to 1527, CTTA inserted.
Protein change: p.Lys510fs; shifts the reading frame from lysine 510.
Molecular consequence: frameshift variant.
Genome position: GRCh38 VCF-style: chr12-8845491-C-CCTTA. GRCh37 (hg19) VCF-style: chr12-8998087-C-CCTTA.
Other names: c.53_54insCTTA, p.Lys19fs (NM_001282424.3); short protein forms K510fs, K19fs.
Identifiers: ClinVar variation 2079473 (VCV002079473.4), dbSNP rs1565475155, ClinGen allele CA603490542.